The following is an entry in ClinVar:

NM_000256.3(MYBPC3):c.3241A>C (p.Asn1081His)

Gene: MYBPC3 (myosin binding protein C3; minus strand). Cytogenetic location: 11p11.2.
Variant type: single nucleotide variant.
Coding change: c.3241A>C on transcript NM_000256.3 (MANE Select); coding-DNA position 3241, A replaced by C.
Protein change: p.Asn1081His; replaces asparagine 1081 with histidine.
Molecular consequence: missense variant.
Genome position (GRCh38, 1-based): chr11:47,333,283, T>G on the plus strand (A>C on the coding strand, the complement: MYBPC3 is on the minus strand). VCF-style: chr11-47333283-T-G. GRCh37 (hg19) VCF-style: chr11-47354834-T-G.
Other names: short protein forms N1081H.
Identifiers: ClinVar variation 2430749 (VCV002430749.2), dbSNP rs2495740200, ClinGen allele CA380314356.
Genomic context (GRCh38, chr11:47,333,283, plus strand): 5'-TGTACCCCCAGAGCTCCGTGTTGCCGACATCCTGGGGTGGCTTCCACTCCAGAGCCACAT[T>G]AAGACCCCAGGCGTCAGTCACCCGGAGATCCTGGGGAGGACTTGGCTTGTCTGCGGGAGA-3'
Protein context (NP_000247.2, residues 1071-1091): DLRVTDAWGL[Asn1081His]VALEWKPPQD

ClinVar aggregate classification (germline): Uncertain significance. Review status: criteria provided, multiple submitters, no conflicts (2 of 4 stars). 2 submissions from 2 submitters: Uncertain significance (2). Last evaluated 2025-08-12.

Conditions:
Hypertrophic cardiomyopathy. Also called: HYPERTROPHIC MYOCARDIOPATHY. Identifiers: Orphanet 217569, MedGen C0007194, MeSH D002312, MONDO:0005045, HP:0001639.

Submissions (2):

Labcorp Genetics (formerly Invitae), Labcorp
Classification: Uncertain significance for Hypertrophic cardiomyopathy. Last evaluated: 2025-08-12. Review status: criteria provided, single submitter. Criteria: Invitae Variant Classification Sherloc (09022015). Collection method: clinical testing. Allele origin: germline.
Comment: This sequence change replaces asparagine, which is neutral and polar, with histidine, which is basic and polar, at codon 1081 of the MYBPC3 protein (p.Asn1081His). This variant is not present in population databases (gnomAD no frequency). This variant has not been reported in the literature in individuals affected with MYBPC3-related conditions. ClinVar contains an entry for this variant (Variation ID: 2430749). An algorithm developed to predict the effect of missense changes on protein structure and function (PolyPhen-2) suggests that this variant is likely to be disruptive. In summary, the available evidence is currently insufficient to determine the role of this variant in disease. Therefore, it has been classified as a Variant of Uncertain Significance.

GeneDx
Classification: Uncertain significance. Last evaluated: 2022-08-17. Review status: criteria provided, single submitter. Criteria: GeneDx Variant Classification Process June 2021. Collection method: clinical testing. Allele origin: germline. Affected: yes.
Comment: Not observed at significant frequency in large population cohorts (gnomAD); In silico analysis supports that this missense variant has a deleterious effect on protein structure/function; Has not been previously published as pathogenic or benign to our knowledge